The following is an entry in ClinVar:

ClinVar aggregate classification (germline): Uncertain significance. Review status: criteria provided, multiple submitters, no conflicts (2 of 4 stars). 4 submissions from 4 submitters: Uncertain significance (4). Last evaluated 2024-11-11.

Conditions:
Griscelli syndrome type 2 (GS2). Also called: GRISCELLI SYNDROME WITH HEMOPHAGOCYTIC SYNDROME; PAID SYNDROME; PARTIAL ALBINISM AND IMMUNODEFICIENCY SYNDROME. Identifiers: Orphanet 381, Orphanet 79477, MedGen C1868679, MONDO:0011872, OMIM 607624.
Inborn genetic diseases. Identifiers: MedGen C0950123, MeSH D030342.
Autoinflammatory syndrome. Identifiers: Orphanet 93665, MedGen C3890737, MONDO:0019751.

Allele frequency attached by ClinVar (database versions not stated): ESP Exome Variant Server 0.00008; ExAC 0.00011; gnomAD exomes 0.00013; TOPMed 0.00015.
gnomAD v4.1: 318 of 1,613,090 alleles (0.02%); highest among the groups gnomAD compares: Admixed American, 0.027%; no homozygotes.

Submissions (5):

Labcorp Genetics (formerly Invitae), Labcorp
Classification: Uncertain significance for Griscelli syndrome type 2. Last evaluated: 2024-11-11. Review status: criteria provided, single submitter. Criteria: Invitae Variant Classification Sherloc (09022015). Collection method: clinical testing. Allele origin: germline.
Comment: This sequence change replaces asparagine, which is neutral and polar, with aspartic acid, which is acidic and polar, at codon 103 of the RAB27A protein (p.Asn103Asp). This variant is present in population databases (rs144492641, gnomAD 0.03%). This variant has not been reported in the literature in individuals affected with RAB27A-related conditions. ClinVar contains an entry for this variant (Variation ID: 885036). Invitae Evidence Modeling of protein sequence and biophysical properties (such as structural, functional, and spatial information, amino acid conservation, physicochemical variation, residue mobility, and thermodynamic stability) indicates that this missense variant is not expected to disrupt RAB27A protein function with a negative predictive value of 95%. In summary, the available evidence is currently insufficient to determine the role of this variant in disease. Therefore, it has been classified as a Variant of Uncertain Significance.

Ambry Genetics
Classification: Uncertain significance for Inborn genetic diseases. Last evaluated: 2021-08-13. Review status: criteria provided, single submitter. Criteria: Ambry Variant Classification Scheme 2023. Collection method: clinical testing. Allele origin: germline.

Genome Diagnostics Laboratory, The Hospital for Sick Children
Classification: Uncertain significance for Autoinflammatory syndrome. Last evaluated: 2021-08-09. Review status: criteria provided, single submitter. Criteria: ACMG Guidelines, 2015. Collection method: clinical testing. Allele origin: germline. Affected: yes.

Illumina Laboratory Services, Illumina
Classification: Uncertain significance for Griscelli syndrome type 2. Last evaluated: 2017-04-27. Review status: criteria provided, single submitter. Criteria: ICSL Variant Classification Criteria 13 December 2019. Collection method: clinical testing. Allele origin: germline.

Dr. Peter K. Rogan Lab, Western University
No classification provided (evidence only). Condition: Nonpapillary renal cell carcinoma. Review status: no classification provided. Collection method: in vitro. Allele origin: not applicable. Functional consequence: retained intron. Not counted in ClinVar's aggregate classification.

NM_183235.3(RAB27A):c.307A>G (p.Asn103Asp)

Gene: RAB27A (RAB27A, member RAS oncogene family; minus strand). Cytogenetic location: 15q21.3.
Variant type: single nucleotide variant.
Coding change: c.307A>G on transcript NM_183235.3 (MANE Select); coding-DNA position 307, A replaced by G.
Protein change: p.Asn103Asp; replaces asparagine 103 with aspartic acid.
Molecular consequence: missense variant.
Genome position (GRCh38, 1-based): chr15:55,228,645, T>C on the plus strand (A>G on the coding strand, the complement: RAB27A is on the minus strand). VCF-style: chr15-55228645-T-C. GRCh37 (hg19) VCF-style: chr15-55520843-T-C.
Other names: c.307A>G, p.Asn103Asp (NM_004580.5, NM_183234.3, NM_183236.3); short protein forms N103D.
Identifiers: ClinVar variation 885036 (VCV000885036.14), dbSNP rs144492641, ClinGen allele CA7573622.
Genomic context (GRCh38, chr15:55,228,645, plus strand): 5'-ACACTGGGGAACAATAACACTTACTTATCCAGTTTCTGACATTGAGGAAACTTTGCTCAT[T>C]TGTCAGATCAAAAAGTAGAAGAAAACCCATAGCATCTCTGAAGAACGCTGTCGTTAAGCT-3'
Protein context (NP_899058.1, residues 93-113): MGFLLLFDLT[Asn103Asp]EQSFLNVRNW